The following is an entry in ClinVar:

ClinVar aggregate classification (germline): Uncertain significance. Review status: criteria provided, multiple submitters, no conflicts (2 of 4 stars). 2 submissions from 2 submitters: Uncertain significance (2). Last evaluated 2024-02-23.

Conditions:
Holocarboxylase synthetase deficiency. Also called: MULTIPLE CARBOXYLASE DEFICIENCY, EARLY ONSET. Identifiers: Orphanet 79242, MedGen C0268581, MONDO:0009666, OMIM 253270.

Allele frequency attached by ClinVar (database versions not stated): gnomAD exomes below 0.00001 and 0.00001; gnomAD 0.00001; TOPMed 0.00002.
gnomAD v4.1: 10 of 1,614,012 alleles (0.00062%); highest among the groups gnomAD compares: Admixed American, 0.0033%; no homozygotes.

Submissions (2):

Labcorp Genetics (formerly Invitae), Labcorp
Classification: Uncertain significance for Holocarboxylase synthetase deficiency. Last evaluated: 2024-02-23. Review status: criteria provided, single submitter. Criteria: Invitae Variant Classification Sherloc (09022015). Collection method: clinical testing. Allele origin: germline.
Comment: This sequence change replaces arginine, which is basic and polar, with glutamine, which is neutral and polar, at codon 501 of the HLCS protein (p.Arg501Gln). This variant is present in population databases (no rsID available, gnomAD 0.003%). This variant has not been reported in the literature in individuals affected with HLCS-related conditions. ClinVar contains an entry for this variant (Variation ID: 339961). Advanced modeling of protein sequence and biophysical properties (such as structural, functional, and spatial information, amino acid conservation, physicochemical variation, residue mobility, and thermodynamic stability) performed at Invitae indicates that this missense variant is not expected to disrupt HLCS protein function with a negative predictive value of 80%. In summary, the available evidence is currently insufficient to determine the role of this variant in disease. Therefore, it has been classified as a Variant of Uncertain Significance.

Illumina Laboratory Services, Illumina
Classification: Uncertain significance for Holocarboxylase synthetase deficiency. Last evaluated: 2018-01-13. Review status: criteria provided, single submitter. Criteria: ICSL Variant Classification Criteria 13 December 2019. Collection method: clinical testing. Allele origin: germline.

NM_001352514.2(HLCS):c.1943G>A (p.Arg648Gln)

Gene: HLCS (holocarboxylase synthetase; minus strand). Cytogenetic location: 21q22.13.
Variant type: single nucleotide variant.
Coding change: c.1943G>A on transcript NM_001352514.2 (MANE Select); coding-DNA position 1943, G replaced by A.
Protein change: p.Arg648Gln; replaces arginine 648 with glutamine.
Molecular consequence: missense variant. On other transcripts: non-coding transcript variant (2).
Genome position (GRCh38, 1-based): chr21:36,767,235, C>T on the plus strand (G>A on the coding strand, the complement: HLCS is on the minus strand). VCF-style: chr21-36767235-C-T. GRCh37 (hg19) VCF-style: chr21-38139536-C-T.
Other names: c.1502G>A, p.Arg501Gln (NM_000411.8, NM_001242784.3, NM_001242785.2 and 4 more transcripts); short protein forms R501Q, R648Q.
Identifiers: ClinVar variation 339961 (VCV000339961.8), dbSNP rs886057076, ClinGen allele CA10644688.